The following is an entry in ClinVar:

ClinVar aggregate classification (germline): Uncertain significance (1 of 4 stars; one submission).

Conditions:
Inborn genetic diseases. Identifiers: MedGen C0950123, MeSH D030342.

Submission:

Ambry Genetics
Classification: Uncertain significance for Inborn genetic diseases. Last evaluated: 2021-12-22. Review status: criteria provided, single submitter. Criteria: Ambry Variant Classification Scheme 2023. Collection method: clinical testing. Allele origin: germline.
Comment: The p.K752T variant (also known as c.2255A>C), located in coding exon 17 of the BUB1B gene, results from an A to C substitution at nucleotide position 2255. The lysine at codon 752 is replaced by threonine, an amino acid with similar properties. This amino acid position is conserved. In addition, this alteration is predicted to be tolerated by in silico analysis. Since supporting evidence is limited at this time, the clinical significance of this alteration remains unclear.

NM_001211.6(BUB1B):c.2255A>C (p.Lys752Thr)

Gene: BUB1B (BUB1 mitotic checkpoint serine/threonine kinase B; plus strand). Cytogenetic location: 15q15.1.
Variant type: single nucleotide variant.
Coding change: c.2255A>C on transcript NM_001211.6 (MANE Select); coding-DNA position 2255, A replaced by C.
Protein change: p.Lys752Thr; replaces lysine 752 with threonine.
Molecular consequence: missense variant.
Genome position (GRCh38, 1-based): chr15:40,209,746, A>C. VCF-style: chr15-40209746-A-C. GRCh37 (hg19) VCF-style: chr15-40501947-A-C.
Other names: short protein forms K752T.
Identifiers: ClinVar variation 1788503 (VCV001788503.2), dbSNP rs2542571890, ClinGen allele CA391694557.